The following is an entry in ClinVar:

NM_022893.4(BCL11A):c.558G>C (p.Leu186Phe)

Gene: BCL11A (BCL11 transcription factor A; minus strand). Cytogenetic location: 2p16.1.
Variant type: single nucleotide variant.
Coding change: c.558G>C on transcript NM_022893.4 (MANE Select); coding-DNA position 558, G replaced by C.
Protein change: p.Leu186Phe; replaces leucine 186 with phenylalanine.
Molecular consequence: missense variant. On other transcripts: non-coding transcript variant (1).
Genome position (GRCh38, 1-based): chr2:60,462,354, C>G on the plus strand (G>C on the coding strand, the complement: BCL11A is on the minus strand). VCF-style: chr2-60462354-C-G. GRCh37 (hg19) VCF-style: chr2-60689489-C-G.
Other names: c.456G>C, p.Leu152Phe (NM_001363864.1, NM_001365609.1, NM_001405711.1 and 3 more transcripts); c.558G>C, p.Leu186Phe (NM_001405708.1, NM_001405709.1, NM_001405710.1 and 4 more transcripts); c.402G>C, p.Leu134Phe (NM_001405713.1, NM_001405714.1, NM_001405715.1 and 6 more transcripts); c.300G>C, p.Leu100Phe (NM_001405717.1, NM_001405718.1, NM_001405724.1 and 1 more transcripts); c.225G>C, p.Leu75Phe (NM_001405720.1, NM_001405721.1); c.102G>C, p.Leu34Phe (NM_001405725.1, NM_001405726.1, NM_001405727.1 and 2 more transcripts); short protein forms L100F, L134F, L152F, L186F, L34F, L75F.
Identifiers: ClinVar variation 3767497 (VCV003767497.1).

ClinVar aggregate classification (germline): Uncertain significance (1 of 4 stars; one submission).

Submission:

GeneDx
Classification: Uncertain significance. Last evaluated: 2024-09-06. Review status: criteria provided, single submitter. Criteria: GeneDx Variant Classification Process June 2021. Collection method: clinical testing. Allele origin: germline. Affected: yes.
Comment: Not observed at significant frequency in large population cohorts (gnomAD); In silico analysis supports that this missense variant has a deleterious effect on protein structure/function; Has not been previously published as pathogenic or benign to our knowledge